The following is an entry in ClinVar:

ClinVar aggregate classification (germline): Benign/Likely benign. Review status: criteria provided, multiple submitters, no conflicts (2 of 4 stars). 3 submissions from 3 submitters: Benign (1); Likely benign (2). Last evaluated 2026-06-08.

Conditions:
Hereditary pheochromocytoma and paraganglioma. Also called: Hereditary pheochromocytoma-paraganglioma; Hereditary Paraganglioma-Pheochromocytoma Syndromes; Hereditary paragangliomas and pheochromocytomas. Identifiers: Orphanet 29072, MedGen C4274332, MONDO:0017366.
Pheochromocytoma. Also called: MAX-Related Hereditary Paraganglioma-Pheochromocytoma Syndrome. Identifiers: Orphanet 29072, MedGen C0031511, MONDO:0008233, OMIM 171300, HP:0002666.

Allele frequency attached by ClinVar (database versions not stated): gnomAD 0.00002; TOPMed 0.00002; ESP Exome Variant Server 0.00008; ExAC 0.00002.
gnomAD v4.1: 24 of 1,614,078 alleles (0.0015%); highest among the groups gnomAD compares: Admixed American, 0.005%; no homozygotes.

Submissions (3):

Myriad Genetics, Inc.
Classification: Likely benign for Pheochromocytoma. Last evaluated: 2026-06-08. Review status: criteria provided, single submitter. Criteria: Myriad Autosomal Dominant, Autosomal Recessive and X-Linked Classification Criteria (2023). Collection method: clinical testing. Allele origin: unknown.
Comment: This variant is considered likely benign. This variant is intronic and is not expected to impact mRNA splicing.

Labcorp Genetics (formerly Invitae), Labcorp
Classification: Likely benign for Hereditary pheochromocytoma and paraganglioma. Last evaluated: 2026-01-27. Review status: criteria provided, single submitter. Criteria: Invitae Variant Classification Sherloc (09022015). Collection method: clinical testing. Allele origin: germline.

Illumina Laboratory Services, Illumina
Classification: Benign for Pheochromocytoma. Last evaluated: 2018-01-13. Review status: criteria provided, single submitter. Criteria: ICSL Variant Classification Criteria 13 December 2019. Collection method: clinical testing. Allele origin: germline.
Comment: This variant was observed in the ICSL laboratory as part of a predisposition screen in an ostensibly healthy population. It had not been previously curated by ICSL or reported in the Human Gene Mutation Database (HGMD: prior to June 1st, 2018), and was therefore a candidate for classification through an automated scoring system. Utilizing variant allele frequency, disease prevalence and penetrance estimates, and inheritance mode, an automated score was calculated to assess if this variant is too frequent to cause the disease. Based on the score and internal cut-off values, a variant classified as benign is not then subjected to further curation. The score for this variant resulted in a classification of benign for this disease.

NM_002382.5(MAX):c.295+10C>T

Gene: MAX (MYC associated transcriptional regulator X; minus strand). Cytogenetic location: 14q23.3.
Variant type: single nucleotide variant.
Coding change: c.295+10C>T on transcript NM_002382.5 (MANE Select); 10 bases into the intron after coding-DNA position 295, C replaced by T.
Molecular consequence: intron variant.
Genome position (GRCh38, 1-based): chr14:65,077,903, G>A on the plus strand (C>T on the coding strand, the complement: MAX is on the minus strand). VCF-style: chr14-65077903-G-A. GRCh37 (hg19) VCF-style: chr14-65544621-G-A.
Other names: c.144+15805C>T (NM_001271069.2); c.171+15805C>T (NM_197957.4); c.268+10C>T (NM_145112.3); c.21+10C>T (NM_001320415.2); c.295+10C>T (NM_145113.3).
Identifiers: ClinVar variation 463805 (VCV000463805.15), dbSNP rs375446224, ClinGen allele CA7232905.